The following is an entry in ClinVar:

NM_212482.4(FN1):c.3837C>T (p.Thr1279=)

Gene: FN1 (fibronectin 1; minus strand). Cytogenetic location: 2q35.
Variant type: single nucleotide variant.
Coding change: c.3837C>T on transcript NM_212482.4 (MANE Select); coding-DNA position 3837, C replaced by T.
Protein change: p.Thr1279=; no amino-acid change (threonine 1279 retained).
Molecular consequence: synonymous variant. On other transcripts: intron variant (10).
Genome position (GRCh38, 1-based): chr2:215,393,163, G>A on the plus strand (C>T on the coding strand, the complement: FN1 is on the minus strand). VCF-style: chr2-215393163-G-A. GRCh37 (hg19) VCF-style: chr2-216257886-G-A.
Other names: p.Thr1279=; c.3837C>T, p.Thr1279= (NM_001306129.2, NM_001306130.2, NM_001365517.2 and 3 more transcripts); c.3797-1349C>T (NM_212474.3, NM_001306132.2, NM_001365523.2 and 7 more transcripts); c.3837C>T (NM_212482.3).
Identifiers: ClinVar variation 767852 (VCV000767852.14), dbSNP rs61732520, ClinGen allele CA2094600.
Genomic context (GRCh38, chr2:215,393,163, plus strand): 5'-GCGGTACCCAATAATGGTGGAAGAGTTTAGCGGGGTCCACCTCAGGCCGATGCTTGAATC[G>A]GTTATATCAACAAAGCTTAGGTCAGTGAGTTGGGGCACCTCTATTGAGTTACAAAGCAAA-3'
Protein context (NP_997647.2, residues 1269-1289): QLTDLSFVDI[Thr1279=]DSSIGLRWTP

ClinVar aggregate classification (germline): Benign/Likely benign. Review status: criteria provided, multiple submitters, no conflicts (2 of 4 stars). 4 submissions from 4 submitters: Benign (2); Likely benign (2). Last evaluated 2026-01-14.

Allele frequency attached by ClinVar (database versions not stated): 1000 Genomes Project 0.00719; ESP Exome Variant Server 0.00637; gnomAD exomes 0.00172; ExAC 0.00207; gnomAD 0.00614 and 0.00656; TOPMed 0.00645; 1000 Genomes Project 30x 0.00781.
gnomAD v4.1: 2,014 of 1,613,918 alleles (0.12%); highest among the groups gnomAD compares: African/African-American, 2.1%; 25 homozygotes.

Submissions (4):

Labcorp Genetics (formerly Invitae), Labcorp
Classification: Benign. Last evaluated: 2026-01-14. Review status: criteria provided, single submitter. Criteria: Invitae Variant Classification Sherloc (09022015). Collection method: clinical testing. Allele origin: germline.

Mayo Clinic Laboratories, Mayo Clinic
Classification: Benign. Last evaluated: 2025-01-29. Review status: criteria provided, single submitter. Criteria: ACMG Guidelines, 2015. Collection method: clinical testing. Allele origin: germline. Observed: 2 variant alleles.
Comment: BS1, BS2, BP4, BP7

GeneDx
Classification: Likely benign. Last evaluated: 2021-04-26. Review status: criteria provided, single submitter. Criteria: GeneDx Variant Classification Process June 2021. Collection method: clinical testing. Allele origin: germline. Affected: yes.

Breakthrough Genomics
Classification: Likely benign. Review status: criteria provided, single submitter. Criteria: ACMG Guidelines, 2015. Collection method: not provided. Allele origin: germline. Inheritance: Autosomal dominant inheritance. Affected: yes.